The following is an entry in ClinVar:

NM_001083116.3(PRF1):c.508A>C (p.Ser170Arg)

Gene: PRF1 (perforin 1; minus strand). Cytogenetic location: 10q22.1.
Variant type: single nucleotide variant.
Coding change: c.508A>C on transcript NM_001083116.3 (MANE Select); coding-DNA position 508, A replaced by C.
Protein change: p.Ser170Arg; replaces serine 170 with arginine.
Molecular consequence: missense variant.
Genome position (GRCh38, 1-based): chr10:70,600,395, T>G on the plus strand (A>C on the coding strand, the complement: PRF1 is on the minus strand). VCF-style: chr10-70600395-T-G. GRCh37 (hg19) VCF-style: chr10-72360151-T-G.
Other names: c.508A>C, p.Ser170Arg (NM_005041.6); short protein forms S170R.
Identifiers: ClinVar variation 3251849 (VCV003251849.1), dbSNP rs2493486826.

ClinVar aggregate classification (germline): Uncertain significance (1 of 4 stars; one submission).

Allele frequency attached by ClinVar (database versions not stated): gnomAD exomes below 0.00001.
gnomAD v4.1: 3 of 1,614,162 alleles (0.00019%); highest among the groups gnomAD compares: Non-Finnish European, 0.00025%; no homozygotes.

Submission:

Women's Health and Genetics/Laboratory Corporation of America, LabCorp
Classification: Uncertain significance. Last evaluated: 2024-04-19. Review status: criteria provided, single submitter. Criteria: LabCorp Variant Classification Summary - May 2015. Collection method: clinical testing. Allele origin: germline.
Comment: Variant summary: PRF1 c.508A>C (p.Ser170Arg) results in a non-conservative amino acid change located in the Membrane attack complex component/perforin (MACPF) domain (IPR020864) of the encoded protein sequence. Four of five in-silico tools predict a benign effect of the variant on protein function. The variant was absent in 251358 control chromosomes. The available data on variant occurrences in the general population are insufficient to allow any conclusion about variant significance. c.508A>C has been reported in the literature in individuals affected with Familial Hemophagocytic Lymphohistiocytosis as a compound heterozygous or unspecified genotype (e.g. Turtzo_2007, Trizzino_2007). These data do not provide sufficient evidence to allow any conclusion about variant significance. To our knowledge, no experimental evidence demonstrating an impact on protein function has been reported. The following publications have been ascertained in the context of this evaluation (PMID: 17873118, 17715280). No submitters have cited clinical-significance assessments for this variant to ClinVar. Based on the evidence outlined above, the variant was classified as uncertain significance.

Literature cited by the submitters: PubMed 17873118; PubMed 17715280.